The following is an entry in ClinVar:

NM_152564.5(VPS13B):c.9184-8T>C

Gene: VPS13B (vacuolar protein sorting 13 homolog B; plus strand). Cytogenetic location: 8q22.2.
Variant type: single nucleotide variant.
Coding change: c.9184-8T>C on transcript NM_152564.5 (MANE Select); 8 bases into the intron before coding-DNA position 9184, T replaced by C.
Molecular consequence: intron variant.
Genome position (GRCh38, 1-based): chr8:99,823,824, T>C. VCF-style: chr8-99823824-T-C. GRCh37 (hg19) VCF-style: chr8-100836052-T-C.
Other names: c.9259-8T>C (NM_017890.5).
Identifiers: ClinVar variation 4992310 (VCV004992310.1).
Genomic context (GRCh38, chr8:99,823,824, plus strand): 5'-GAATACTCAAGAGATTTTGATATGCCTTACAGTATTGTCAAAATTATTTTTTCTCAATTA[T>C]CTTGTAGTTATGTCAGTTCTGCATTTCCTCCATGGTACAGCAAGGTATACAAATTATTCA-3'

ClinVar aggregate classification (germline): Uncertain significance (1 of 4 stars; one submission).

Conditions:
VPS13B-related disorder. Also called: VPS13B-related condition.

gnomAD v4.1: 1 of 1,612,870 alleles (0.000062%); highest among the groups gnomAD compares: African/African-American, 0.0013%; no homozygotes.

Submission:

PreventionGenetics, part of Exact Sciences
Classification: Uncertain significance for VPS13B-related condition. Last evaluated: 2026-02-26. Review status: criteria provided, single submitter. Criteria: ACMG Guidelines, 2015. Collection method: clinical testing. Allele origin: germline.
Comment: The VPS13B c.9184-8T>C variant is predicted to interfere with splicing. To our knowledge, this variant has not been reported in the literature or in a large population database (gnomAD), indicating this variant is rare. This variant is predicted to alter splicing based on available splicing prediction programs (SpliceAI, Jaganathan et al. 2019. PubMed ID: 30661751). However, the use of computer prediction programs is not equivalent to functional evidence. At this time, the clinical significance of this variant is uncertain due to the absence of conclusive functional and genetic evidence.